The following is an entry in ClinVar:

NM_022124.6(CDH23):c.3165G>A (p.Val1055=)

Gene: CDH23 (cadherin related 23; plus strand). Cytogenetic location: 10q22.1.
Variant type: single nucleotide variant.
Coding change: c.3165G>A on transcript NM_022124.6 (MANE Select); coding-DNA position 3165, G replaced by A.
Protein change: p.Val1055=; no amino-acid change (valine 1055 retained).
Molecular consequence: synonymous variant.
Genome position (GRCh38, 1-based): chr10:71,709,156, G>A. VCF-style: chr10-71709156-G-A. GRCh37 (hg19) VCF-style: chr10-73468913-G-A.
Other names: c.3165G>A, p.Val1055= (NM_001171930.2).
Identifiers: ClinVar variation 723274 (VCV000723274.11), dbSNP rs370826064, ClinGen allele CA5544500.

ClinVar aggregate classification (germline): Likely benign. Review status: criteria provided, multiple submitters, no conflicts (2 of 4 stars). 2 submissions from 2 submitters: Likely benign (2). Last evaluated 2026-01-02.

Conditions:
CDH23-related disorder. Also called: CDH23-related disorders; CDH23-related condition.

Allele frequency attached by ClinVar (database versions not stated): gnomAD exomes below 0.00001 and 0.00003; ExAC 0.00005; gnomAD 0.00007 and 0.00009; ESP Exome Variant Server 0.00008; TOPMed 0.00010.
gnomAD v4.1: 16 of 1,613,884 alleles (0.00099%); highest among the groups gnomAD compares: African/African-American, 0.015%; no homozygotes.

Submissions (2):

PreventionGenetics, part of Exact Sciences
Classification: Likely benign for CDH23-related condition. Last evaluated: 2026-01-02. Review status: criteria provided, single submitter. Criteria: ACMG Guidelines, 2015. Collection method: clinical testing. Allele origin: germline.
Comment: This variant is classified as likely benign based on ACMG/AMP sequence variant interpretation guidelines (Richards et al. 2015 PMID: 25741868, with internal and published modifications).

Labcorp Genetics (formerly Invitae), Labcorp
Classification: Likely benign. Last evaluated: 2025-04-17. Review status: criteria provided, single submitter. Criteria: Invitae Variant Classification Sherloc (09022015). Collection method: clinical testing. Allele origin: germline.